The following is an entry in ClinVar:

NM_001393504.1(MAST3):c.1906C>A (p.Pro636Thr)

Gene: MAST3 (microtubule associated serine/threonine kinase 3; plus strand). Cytogenetic location: 19p13.11.
Variant type: single nucleotide variant.
Coding change: c.1906C>A on transcript NM_001393504.1 (MANE Select); coding-DNA position 1906, C replaced by A.
Protein change: p.Pro636Thr; replaces proline 636 with threonine.
Molecular consequence: missense variant.
Genome position (GRCh38, 1-based): chr19:18,135,775, C>A. VCF-style: chr19-18135775-C-A. GRCh37 (hg19) VCF-style: chr19-18246585-C-A.
Other names: c.1930C>A, p.Pro644Thr (NM_001393501.1); c.1909C>A, p.Pro637Thr (NM_001393502.1); c.1906C>A, p.Pro636Thr (NM_001393503.1); c.1903C>A, p.Pro635Thr (NM_001393505.1); c.1858C>A, p.Pro620Thr (NM_001393506.1, NM_001393513.1); c.1885C>A, p.Pro629Thr (NM_001393507.1); c.1840C>A, p.Pro614Thr (NM_001393508.1, NM_001393516.1); c.1837C>A, p.Pro613Thr (NM_001393509.1, NM_001393510.1, NM_001393512.1 and 2 more transcripts); and 4 more; short protein forms P598T, P613T, P614T, P606T, P636T, P637T, P620T, P629T.
Identifiers: ClinVar variation 3781235 (VCV003781235.1).

ClinVar aggregate classification (germline): Uncertain significance (1 of 4 stars; one submission).

Submission:

GeneDx
Classification: Uncertain significance. Last evaluated: 2024-10-17. Review status: criteria provided, single submitter. Criteria: GeneDx Variant Classification Process June 2021. Collection method: clinical testing. Allele origin: germline. Affected: yes.
Comment: Not observed at significant frequency in large population cohorts (gnomAD); In silico analysis supports that this missense variant has a deleterious effect on protein structure/function; Has not been previously published as pathogenic or benign to our knowledge